The following is an entry in ClinVar:

NM_002226.5(JAG2):c.2623C>T (p.Arg875Trp)

Gene: JAG2 (jagged canonical Notch ligand 2; minus strand). Cytogenetic location: 14q32.33.
Variant type: single nucleotide variant.
Coding change: c.2623C>T on transcript NM_002226.5 (MANE Select); coding-DNA position 2623, C replaced by T.
Protein change: p.Arg875Trp; replaces arginine 875 with tryptophan.
Molecular consequence: missense variant.
Genome position (GRCh38, 1-based): chr14:105,146,471, G>A on the plus strand (C>T on the coding strand, the complement: JAG2 is on the minus strand). VCF-style: chr14-105146471-G-A. GRCh37 (hg19) VCF-style: chr14-105612808-G-A.
Other names: c.2509C>T, p.Arg837Trp (NM_145159.3); c.2623C>T (NM_002226.3); short protein forms R837W, R875W.
Identifiers: ClinVar variation 3049044 (VCV003049044.3), dbSNP rs764784118, ClinGen allele CA7385505.

ClinVar aggregate classification (germline): Uncertain significance. Review status: criteria provided, single submitter (1 of 4 stars). 2 submissions from 2 submitters: Uncertain significance (1). 1 of the submissions does not count toward it. Last evaluated 2022-12-28.

Conditions:
JAG2-related disorder. Also called: JAG2-related condition.

Allele frequency attached by ClinVar (database versions not stated): TOPMed 0.00003; gnomAD 0.00004; ExAC 0.00018.
gnomAD v4.1: 180 of 1,612,644 alleles (0.011%); highest among the groups gnomAD compares: South Asian, 0.17%; 5 homozygotes.

Submissions (2):

Ambry Genetics
Classification: Uncertain significance. Last evaluated: 2022-12-28. Review status: criteria provided, single submitter. Criteria: Ambry Variant Classification Scheme 2023. Collection method: clinical testing. Allele origin: germline.

PreventionGenetics, part of Exact Sciences
Classification: Likely benign for JAG2-related condition. Last evaluated: 2022-05-10. Review status: no assertion criteria provided. Collection method: clinical testing. Allele origin: germline. Not counted in ClinVar's aggregate classification.
Comment: This variant is classified as likely benign based on ACMG/AMP sequence variant interpretation guidelines (Richards et al. 2015 PMID: 25741868, with internal and published modifications).